The following is an entry in ClinVar:

NM_004959.5(NR5A1):c.1139-1G>T

Gene: NR5A1 (nuclear receptor subfamily 5 group A member 1; minus strand). Cytogenetic location: 9q33.3.
Variant type: single nucleotide variant.
Coding change: c.1139-1G>T on transcript NM_004959.5 (MANE Select); the canonical splice acceptor site of the intron before coding-DNA position 1139, G replaced by T.
Molecular consequence: splice acceptor variant.
Genome position (GRCh38, 1-based): chr9:124,483,006, C>A on the plus strand (G>T on the coding strand, the complement: NR5A1 is on the minus strand). VCF-style: chr9-124483006-C-A. GRCh37 (hg19) VCF-style: chr9-127245285-C-A.
Identifiers: ClinVar variation 1368125 (VCV001368125.6), dbSNP rs2131269372, ClinGen allele CA374879057.

ClinVar aggregate classification (germline): Uncertain significance (1 of 4 stars; one submission).

Conditions:
46 XY differences of sex development. Also called: 46, XY disorder of sex development (DSD); 46,XY disorder of sex development. Identifiers: Orphanet 98085, MedGen C2751824, MONDO:0020040.
Oligosynaptic infertility (SPGF1). Also called: SPERMATOGENIC FAILURE 1; OLIGOCHIASMATIC INFERTILITY. Identifiers: MedGen C0403810, MONDO:0009776, OMIM 258150.

Submission:

Labcorp Genetics (formerly Invitae), Labcorp
Classification: Uncertain significance for 46 XY differences of sex development; Oligosynaptic infertility. Last evaluated: 2021-11-01. Review status: criteria provided, single submitter. Criteria: Invitae Variant Classification Sherloc (09022015). Collection method: clinical testing. Allele origin: germline.
Comment: Variants that disrupt the consensus splice site are a relatively common cause of aberrant splicing (PMID: 17576681, 9536098). Algorithms developed to predict the effect of sequence changes on RNA splicing suggest that this variant may disrupt the consensus splice site. In summary, the available evidence is currently insufficient to determine the role of this variant in disease. Therefore, it has been classified as a Variant of Uncertain Significance. Disruption of this splice site has been observed in individual(s) with clinical features of disorders of sex development (PMID: 27899157, 29027299). This variant is not present in population databases (gnomAD no frequency). This sequence change affects an acceptor splice site in intron 6 of the NR5A1 gene. While this variant is not anticipated to result in nonsense mediated decay, it likely alters RNA splicing and results in a disrupted protein product.

Literature cited by the submitters: PubMed 17576681; PubMed 9536098; PubMed 27899157; PubMed 29027299.